The following is an entry in ClinVar:

ClinVar aggregate classification (germline): Uncertain significance (1 of 4 stars; one submission).

Conditions:
Short-rib thoracic dysplasia 10 with or without polydactyly (SRTD10). Identifiers: Orphanet 474, MedGen C3810175, MONDO:0014284, OMIM 615630.
Retinitis pigmentosa 71 (RP71). Identifiers: Orphanet 791, MedGen C4225342, MONDO:0014618, OMIM 616394.

Allele frequency attached by ClinVar (database versions not stated): gnomAD exomes below 0.00001; ExAC 0.00001.
gnomAD v4.1: 2 of 1,614,134 alleles (0.00012%); highest among the groups gnomAD compares: South Asian, 0.0011%; no homozygotes.

Submission:

Labcorp Genetics (formerly Invitae), Labcorp
Classification: Uncertain significance for Retinitis pigmentosa 71; Short-rib thoracic dysplasia 10 with or without polydactyly. Last evaluated: 2022-07-06. Review status: criteria provided, single submitter. Criteria: Invitae Variant Classification Sherloc (09022015). Collection method: clinical testing. Allele origin: germline.
Comment: This variant is present in population databases (rs751267637, gnomAD 0.003%). This variant has not been reported in the literature in individuals affected with IFT172-related conditions. ClinVar contains an entry for this variant (Variation ID: 1347343). Variants that disrupt the consensus splice site are a relatively common cause of aberrant splicing (PMID: 17576681, 9536098). Algorithms developed to predict the effect of sequence changes on RNA splicing suggest that this variant is not likely to affect RNA splicing. In summary, the available evidence is currently insufficient to determine the role of this variant in disease. Therefore, it has been classified as a Variant of Uncertain Significance. This sequence change falls in intron 17 of the IFT172 gene. It does not directly change the encoded amino acid sequence of the IFT172 protein. It affects a nucleotide within the consensus splice site.

Literature cited by the submitters: PubMed 17576681; PubMed 9536098.

NM_015662.3(IFT172):c.1829+3G>A

Gene: IFT172 (intraflagellar transport 172; minus strand). Cytogenetic location: 2p23.3.
Variant type: single nucleotide variant.
Coding change: c.1829+3G>A on transcript NM_015662.3 (MANE Select); 3 bases into the intron after coding-DNA position 1829, G replaced by A.
Molecular consequence: intron variant.
Genome position (GRCh38, 1-based): chr2:27,465,743, C>T on the plus strand (G>A on the coding strand, the complement: IFT172 is on the minus strand). VCF-style: chr2-27465743-C-T. GRCh37 (hg19) VCF-style: chr2-27688610-C-T.
Identifiers: ClinVar variation 1347343 (VCV001347343.6), dbSNP rs751267637, ClinGen allele CA1580526.